The following is an entry in ClinVar:

NM_031407.7(HUWE1):c.12188G>A (p.Arg4063Gln)

Gene: HUWE1 (HECT, UBA and WWE domain containing E3 ubiquitin protein ligase 1; minus strand). Cytogenetic location: Xp11.22.
Variant type: single nucleotide variant.
Coding change: c.12188G>A on transcript NM_031407.7 (MANE Select); coding-DNA position 12188, G replaced by A.
Protein change: p.Arg4063Gln; replaces arginine 4063 with glutamine.
Molecular consequence: missense variant.
Genome position (GRCh38, 1-based): chrX:53,536,617, C>T on the plus strand (G>A on the coding strand, the complement: HUWE1 is on the minus strand). VCF-style: chrX-53536617-C-T. GRCh37 (hg19) VCF-style: chrX-53563578-C-T.
Other names: c.12188G>A (NM_031407.4); short protein forms R4063Q.
Identifiers: ClinVar variation 627417 (VCV000627417.5), dbSNP rs1569399945, ClinGen allele CA413151530.

ClinVar aggregate classification (germline): Likely pathogenic. Review status: criteria provided, single submitter (1 of 4 stars). 2 submissions from 2 submitters: Likely pathogenic (1). 1 of the submissions does not count toward it. Last evaluated 2026-05-28.

Conditions:
Intellectual developmental disorder, X-linked, syndromic, Turner type. Also called: X-linked intellectual disability, Turner type; Intellectual disability, X-linked syndromic, Turner type. Identifiers: Orphanet 3056, Orphanet 85328, MedGen C2678046, MONDO:0010407, OMIM 309590.

Submissions (2):

GeneDx
Classification: Likely pathogenic. Last evaluated: 2026-05-28. Review status: criteria provided, single submitter. Criteria: GeneDx Variant Classification Process June 2021. Collection method: clinical testing. Allele origin: germline.
Comment: Not observed at significant frequency in large population cohorts (gnomAD); In silico analysis supports that this missense variant has a deleterious effect on protein structure/function; This variant is associated with the following publications: (PMID: 29180823, 27130160)

OMIM
Classification: Pathogenic for INTELLECTUAL DEVELOPMENTAL DISORDER, X-LINKED, SYNDROMIC, TURNER TYPE. Last evaluated: 2021-08-20. Review status: no assertion criteria provided. Collection method: literature only. Allele origin: germline. Not counted in ClinVar's aggregate classification.

Literature cited by the submitters: PubMed 27130160 (cited by OMIM).